The following is an entry in ClinVar:

NM_020151.4(STARD7):c.175_183del (p.Gly59_Leu61del)

Genes: STARD7 (StAR related lipid transfer domain containing 7; minus strand), LOC129934328 (ATAC-STARR-seq lymphoblastoid silent region 11757; plus strand). Cytogenetic location: 2q11.2.
Variant type: Deletion.
Coding change: c.175_183del on transcript NM_020151.4 (MANE Select); coding-DNA positions 175 to 183, 9 bases deleted (GGCCGCCTC; older notation c.175_183delGGCCGCCTC).
Protein change: p.Gly59_Leu61del.
Molecular consequence: inframe deletion. On other transcripts: intron variant (1).
Genome position (GRCh38, 1-based): chr2:96,208,252-96,208,260, GAGGCGGCC deleted on the plus strand (GGCCGCCTC on the coding strand, the reverse complement: STARD7 is on the minus strand); deleting any 9 consecutive bases within chr2:96,208,252-96,208,264 gives the same sequence; the c. name uses the placement nearest the transcript's 3' end. VCF-style (leftmost placement, unchanged base first): chr2-96208251-AGAGGCGGCC-A. GRCh37 (hg19) VCF-style: chr2-96873989-AGAGGCGGCC-A.
Other names: c.-14+279_-14+287del (NM_001385622.1).
Identifiers: ClinVar variation 4871716 (VCV004871716.1).

ClinVar aggregate classification (germline): Uncertain significance (1 of 4 stars; one submission).

Conditions:
Epilepsy, familial adult myoclonic, 2 (FAME2). Also called: BENIGN ADULT FAMILIAL MYOCLONIC EPILEPSY 2; CORTICAL MYOCLONUS AND EPILEPSY, AUTOSOMAL DOMINANT; CORTICAL MYOCLONIC TREMOR WITH EPILEPSY, FAMILIAL, 2. Identifiers: Orphanet 86814, MedGen C1842852, MONDO:0011930, OMIM 607876.

Submission:

Centro Nacional de Genética Medica, Administración Nacional de Laboratorios e Institutos de Salud (ANLIS) “Dr. Carlos G Malbrán”
Classification: Uncertain significance for Epilepsy, familial adult myoclonic, 2. Last evaluated: 2025-12-30. Review status: criteria provided, single submitter. Criteria: ACMG Guidelines, 2015. Collection method: clinical testing. Allele origin: germline. Affected: yes. Observed: 1 variant allele.
Comment: To date, segregation has been observed between this pathology and the expansion of the number of ATTTT/ATTTC pentamer repeats in intron 1 of the STARD7 gene. Although the pathogenic mechanism is not yet fully understood, it does not appear to be due to decreased gene transcription or translation (PMID: 31664034). Given this situation, it is not possible to rule out or infer whether the presence of the variant found in STARD7 could have a functional effect. For this reason, it is included in this report because the gene is associated with a pathology that overlaps with some of the patient's clinical characteristics. The variant found is present at low frequency in population databases such as GnomAD, ExAc, and 1000 Genomes (PM2_Supporting). While this variant does not cause a frameshift, it does alter the final length of the protein (PM4). Therefore, and following the international rules of the American College of Medical Genetics (ACMG), the variant identified in heterozygosity in the STARD7 gene, NM_020151.4:c.175_183del, is classified as having uncertain significance (PM2_Supporting and PM4).

Literature cited by the submitters: PubMed 31664034.